The following is an entry in ClinVar:

ClinVar aggregate classification (germline): Uncertain significance. Review status: criteria provided, multiple submitters, no conflicts (2 of 4 stars). 5 submissions from 5 submitters: Uncertain significance (4). 1 of the submissions does not count toward it. Last evaluated 2026-01-13.

Conditions:
Hereditary cancer-predisposing syndrome. Also called: Hereditary neoplastic syndrome; Neoplastic Syndromes, Hereditary; Tumor predisposition; Hereditary Cancer Syndrome. Identifiers: Orphanet 140162, MedGen C0027672, MeSH D009386, MONDO:0015356.
Oligodontia-cancer predisposition syndrome. Also called: TOOTH AGENESIS-COLORECTAL CANCER SYNDROME. Identifiers: Orphanet 300576, MedGen C1837750, MONDO:0012075, OMIM 608615. Disease mechanism: loss of function.

Allele frequency attached by ClinVar (database versions not stated): gnomAD 0.00001; gnomAD exomes 0.00001; TOPMed 0.00001; ExAC 0.00002.
gnomAD v4.1: 9 of 1,607,998 alleles (0.00056%); highest among the groups gnomAD compares: South Asian, 0.0033%; no homozygotes.

Submissions (5):

Labcorp Genetics (formerly Invitae), Labcorp
Classification: Uncertain significance for Oligodontia-cancer predisposition syndrome. Last evaluated: 2026-01-13. Review status: criteria provided, single submitter. Criteria: Invitae Variant Classification Sherloc (09022015). Collection method: clinical testing. Allele origin: germline.
Comment: This sequence change replaces arginine, which is basic and polar, with glutamine, which is neutral and polar, at codon 714 of the AXIN2 protein (p.Arg714Gln). This variant also falls at the last nucleotide of exon 8, which is part of the consensus splice site for this exon. The frequency data for this variant in the population databases is considered unreliable, as metrics indicate poor data quality at this position in the gnomAD database. This missense change has been observed in individual(s) with attenuated adenomatous polyposis (PMID: 31285513). ClinVar contains an entry for this variant (Variation ID: 422352). An algorithm developed to predict the effect of missense changes on protein structure and function (PolyPhen-2) suggests that this variant is likely to be disruptive. Variants that disrupt the consensus splice site are a relatively common cause of aberrant splicing (PMID: 17576681, 9536098). RNA analysis performed to evaluate the impact of this missense change on mRNA splicing indicates it does not significantly alter splicing (internal data). In summary, the available evidence is currently insufficient to determine the role of this variant in disease. Therefore, it has been classified as a Variant of Uncertain Significance.

Ambry Genetics
Classification: Uncertain significance for Hereditary cancer-predisposing syndrome. Last evaluated: 2025-04-01. Review status: criteria provided, single submitter. Criteria: Ambry Variant Classification Scheme 2023. Collection method: clinical testing. Allele origin: germline.
Comment: The c.2141G>A variant (also known as p.R714Q), located in coding exon 7 of the AXIN2 gene, results from a G to A substitution at nucleotide position 2141. The amino acid change results in arginine to glutamine at codon 714, an amino acid with highly similar properties. However, this change occurs in the last base pair of coding exon 7, which makes it likely to have some effect on normal mRNA splicing. This nucleotide position is highly conserved in available vertebrate species. In silico splice site analysis for this alteration is inconclusive. In addition, the missense variant is predicted to be tolerated by in silico analysis. Since supporting evidence is limited at this time, the clinical significance of this alteration remains unclear.

Sema4
Classification: Uncertain significance for Hereditary cancer-predisposing syndrome. Last evaluated: 2021-08-17. Review status: criteria provided, single submitter. Criteria: Sema4 Curation Guidelines. Collection method: curation. Allele origin: germline.
Comment: The AXIN2 c.2141G>A (p.R714Q) variant has been reported in at least 2 individuals with attenuated adenomatous polyposis (PMID 31285513). It was observed in 1/17696 chromosomes in the East Asian population according to the Genome Aggregation Database (PMID: 32461654). This variant has been reported in ClinVar (Variation ID 422352). This variant is the last nucleotide of exon 8 of the AXIN2 gene. Functional studies have not been performed, and in silico predictions of the variant's effect on protein function or splicing are inconclusive. The overall evidence is insufficient to meet ACMG/AMP criteria for classifying it as benign or pathogenic. In summary, the clinical significance of this variant is currently uncertain.

GeneDx
Classification: Uncertain significance. Last evaluated: 2016-09-27. Review status: criteria provided, single submitter. Criteria: GeneDx Variant Classification (06012015). Collection method: clinical testing. Allele origin: germline. Affected: yes.
Comment: This variant is denoted AXIN2 c.2141G>A at the cDNA level, p.Arg714Gln (R714Q) at the protein level, and results in the change of an Arginine to a Glutamine (CGG>CAG). This variant has not, to our knowledge, been published in the literature as pathogenic or benign. AXIN2 Arg714Gln was not observed in approximately 6,500 individuals of European and African American ancestry in the NHLBI Exome Sequencing Project, suggesting it is not a common benign variant in these populations. Since Arginine and Glutamine differ in some properties, this is considered a semi-conservative amino acid substitution. AXIN2 Arg714Gln occurs at a position that is conserved in mammals and is located in the within mutational hot spot exon (Salahshor 2005). In silico analyses are inconsistent regarding the effect this variant may have on protein structure and function. Based on currently available evidence, it is unclear whether AXIN2 Arg714Gln is a pathogenic or benign variant. We consider it to be a variant of uncertain significance.

Molecular Oncology Laboratory, Hospital Clínico San Carlos
Classification: Uncertain significance for Oligodontia-cancer predisposition syndrome. Last evaluated: 2018-06-01. Review status: no assertion criteria provided. Criteria: ACMG Guidelines, 2015. Collection method: clinical testing. Allele origin: germline. Inheritance: Autosomal dominant inheritance. Affected: yes. Not counted in ClinVar's aggregate classification.

Literature cited by the submitters: PubMed 31285513 (cited by 3 submitters); PubMed 17576681 (cited by Labcorp Genetics (formerly Invitae), Labcorp); PubMed 9536098 (cited by Labcorp Genetics (formerly Invitae), Labcorp).

NM_004655.4(AXIN2):c.2141G>A (p.Arg714Gln)

Gene: AXIN2 (axin 2; minus strand). Cytogenetic location: 17q24.1.
Variant type: single nucleotide variant.
Coding change: c.2141G>A on transcript NM_004655.4 (MANE Select); coding-DNA position 2141, G replaced by A.
Protein change: p.Arg714Gln; replaces arginine 714 with glutamine.
Molecular consequence: missense variant.
Genome position (GRCh38, 1-based): chr17:65,536,320, C>T on the plus strand (G>A on the coding strand, the complement: AXIN2 is on the minus strand). VCF-style: chr17-65536320-C-T. GRCh37 (hg19) VCF-style: chr17-63532438-C-T.
Other names: c.2141G>A (LRG_296t1); c.1946G>A, p.Arg649Gln (NM_001363813.1); short protein forms R714Q, R649Q.
Identifiers: ClinVar variation 422352 (VCV000422352.17), dbSNP rs762872515, ClinGen allele CA8718405.